The following is an entry in ClinVar:

NM_020738.4(KIDINS220):c.2692C>T (p.Leu898Phe)

Gene: KIDINS220 (kinase D interacting substrate 220; minus strand). Cytogenetic location: 2p25.1.
Variant type: single nucleotide variant.
Coding change: c.2692C>T on transcript NM_020738.4 (MANE Select); coding-DNA position 2692, C replaced by T.
Protein change: p.Leu898Phe; replaces leucine 898 with phenylalanine.
Molecular consequence: missense variant. On other transcripts: non-coding transcript variant (2).
Genome position (GRCh38, 1-based): chr2:8,778,650, G>A on the plus strand (C>T on the coding strand, the complement: KIDINS220 is on the minus strand). VCF-style: chr2-8778650-G-A. GRCh37 (hg19) VCF-style: chr2-8918780-G-A.
Other names: c.2692C>T, p.Leu898Phe (NM_001348738.2, NM_001348741.2, NM_001348742.2 and 3 more transcripts); c.2695C>T, p.Leu899Phe (NM_001348739.2, NM_001348740.2, NM_001348745.2 and 3 more transcripts); c.2566C>T, p.Leu856Phe (NM_001348736.2); short protein forms L898F, L899F, L856F.
Identifiers: ClinVar variation 3677370 (VCV003677370.2).

ClinVar aggregate classification (germline): Uncertain significance (1 of 4 stars; one submission).

Submission:

Labcorp Genetics (formerly Invitae), Labcorp
Classification: Uncertain significance. Last evaluated: 2025-02-13. Review status: criteria provided, single submitter. Criteria: Invitae Variant Classification Sherloc (09022015). Collection method: clinical testing. Allele origin: germline.
Comment: This sequence change replaces leucine, which is neutral and non-polar, with phenylalanine, which is neutral and non-polar, at codon 898 of the KIDINS220 protein (p.Leu898Phe). This variant is not present in population databases (gnomAD no frequency). This variant has not been reported in the literature in individuals affected with KIDINS220-related conditions. An algorithm developed to predict the effect of missense changes on protein structure and function (PolyPhen-2) suggests that this variant is likely to be disruptive. In summary, the available evidence is currently insufficient to determine the role of this variant in disease. Therefore, it has been classified as a Variant of Uncertain Significance.